The following is an entry in ClinVar:

NM_015271.5(TRIM2):c.970G>A (p.Asp324Asn)

Gene: TRIM2 (tripartite motif containing 2; plus strand). Cytogenetic location: 4q31.3.
Variant type: single nucleotide variant.
Coding change: c.970G>A on transcript NM_015271.5 (MANE Select); coding-DNA position 970, G replaced by A.
Protein change: p.Asp324Asn; replaces aspartic acid 324 with asparagine.
Molecular consequence: missense variant.
Genome position (GRCh38, 1-based): chr4:153,295,496, G>A. VCF-style: chr4-153295496-G-A. GRCh37 (hg19) VCF-style: chr4-154216648-G-A.
Other names: c.889G>A, p.Asp297Asn (NM_001130067.2, NM_001351056.2, NM_001375512.1 and 5 more transcripts); c.943G>A, p.Asp315Asn (NM_001351054.2); c.940G>A, p.Asp314Asn (NM_001351055.2); c.514G>A, p.Asp172Asn (NM_001351057.2); c.1063G>A, p.Asp355Asn (NM_001375488.1); c.1060G>A, p.Asp354Asn (NM_001375489.1); c.913G>A, p.Asp305Asn (NM_001375490.1); c.910G>A, p.Asp304Asn (NM_001375491.1); and 3 more; short protein forms D212N, D305N, D315N, D213N, D297N, D304N, D211N, D314N.
Identifiers: ClinVar variation 2113715 (VCV002113715.4), dbSNP rs2546527425, ClinGen allele CA358472682.
Genomic context (GRCh38, chr4:153,295,496, plus strand): 5'-ATGAGCGAGAAGCTGAACGAGCTGGCCGACCAGGACTTCCCCTTGCACCCGCGGGAGAAC[G>A]ACCAGCTGGATTTCATCGTGGAAACCGAGGGGCTGAAGAAGTCCATCCACAACCTCGGGA-3'
Protein context (NP_056086.2, residues 314-334): QDFPLHPREN[Asp324Asn]QLDFIVETEG

ClinVar aggregate classification (germline): Uncertain significance (1 of 4 stars; one submission).

Conditions:
Charcot-Marie-Tooth disease type 2R. Also called: CHARCOT-MARIE-TOOTH DISEASE, AXONAL, AUTOSOMAL RECESSIVE, TYPE 2R; Charcot-Marie-Tooth disease, axonal, type 2R; CHARCOT-MARIE-TOOTH NEUROPATHY, TYPE 2R. Identifiers: Orphanet 397968, MedGen C3809655, MONDO:0014208, OMIM 615490.

Submission:

Labcorp Genetics (formerly Invitae), Labcorp
Classification: Uncertain significance for Charcot-Marie-Tooth disease type 2R. Last evaluated: 2022-03-18. Review status: criteria provided, single submitter. Criteria: Invitae Variant Classification Sherloc (09022015). Collection method: clinical testing. Allele origin: germline.
Comment: This sequence change replaces aspartic acid, which is acidic and polar, with asparagine, which is neutral and polar, at codon 297 of the TRIM2 protein (p.Asp297Asn). This variant is not present in population databases (gnomAD no frequency). This variant has not been reported in the literature in individuals affected with TRIM2-related conditions. Algorithms developed to predict the effect of missense changes on protein structure and function (SIFT, PolyPhen-2, Align-GVGD) all suggest that this variant is likely to be tolerated. In summary, the available evidence is currently insufficient to determine the role of this variant in disease. Therefore, it has been classified as a Variant of Uncertain Significance.